The following is an entry in ClinVar:

ClinVar aggregate classification (germline): Benign. Review status: criteria provided, multiple submitters, no conflicts (2 of 4 stars). 2 submissions from 2 submitters: Benign (2). Last evaluated 2018-01-12.

Conditions:
Majeed syndrome (MJDS). Also called: CHRONIC RECURRENT MULTIFOCAL OSTEOMYELITIS 1, WITH CONGENITAL DYSERYTHROPOIETIC ANEMIA, WITH OR WITHOUT NEUTROPHILIC DERMATOSIS; LPIN2-Related Majeed Syndrome. Identifiers: Orphanet 77297, MedGen C1864997, MONDO:0012316, OMIM 609628.

Allele frequency attached by ClinVar (database versions not stated): 1000 Genomes Project 0.14197; 1000 Genomes Project 30x 0.15116; gnomAD 0.18519 and 0.18839; TOPMed 0.19267.

Submissions (2):

Illumina Laboratory Services, Illumina
Classification: Benign for Majeed syndrome. Last evaluated: 2018-01-12. Review status: criteria provided, single submitter. Criteria: ICSL Variant Classification Criteria 13 December 2019. Collection method: clinical testing. Allele origin: germline.
Comment: This variant was observed in the ICSL laboratory as part of a predisposition screen in an ostensibly healthy population. It had not been previously curated by ICSL or reported in the Human Gene Mutation Database (HGMD: prior to June 1st, 2018), and was therefore a candidate for classification through an automated scoring system. Utilizing variant allele frequency, disease prevalence and penetrance estimates, and inheritance mode, an automated score was calculated to assess if this variant is too frequent to cause the disease. Based on the score and internal cut-off values, a variant classified as benign is not then subjected to further curation. The score for this variant resulted in a classification of benign for this disease.

Breakthrough Genomics
Classification: Benign. Review status: criteria provided, single submitter. Criteria: ACMG Guidelines, 2015. Collection method: not provided. Allele origin: germline. Inheritance: Unknown mechanism. Affected: yes.

NM_001375808.2(LPIN2):c.*3139A>G

Gene: LPIN2 (lipin 2; minus strand). Cytogenetic location: 18p11.31.
Variant type: single nucleotide variant.
Coding change: c.*3139A>G on transcript NM_001375808.2 (MANE Select); 3139 bases downstream of the stop codon, A replaced by G.
Molecular consequence: 3 prime UTR variant.
Genome position (GRCh38, 1-based): chr18:2,917,154, T>C on the plus strand (A>G on the coding strand, the complement: LPIN2 is on the minus strand). VCF-style: chr18-2917154-T-C. GRCh37 (hg19) VCF-style: chr18-2917152-T-C.
Other names: c.*3139A>G (NM_001375809.1, NM_014646.2).
Identifiers: ClinVar variation 326543 (VCV000326543.6), dbSNP rs1164, ClinGen allele CA10650634.